The following is an entry in ClinVar:

NM_025137.4(SPG11):c.4107_4109delinsAG (p.Asn1369fs)

Gene: SPG11 (SPG11 vesicle trafficking associated, spatacsin; minus strand). Cytogenetic location: 15q21.1.
Variant type: Indel.
Coding change: c.4107_4109delinsAG on transcript NM_025137.4 (MANE Select); coding-DNA positions 4107 to 4109, TGA replaced by AG.
Protein change: p.Asn1369fs; shifts the reading frame from asparagine 1369.
Molecular consequence: frameshift variant.
Genome position (GRCh38, 1-based): chr15:44,596,836-44,596,838, TCA replaced by CT on the plus strand (TGA replaced by AG on the coding strand, the reverse complement: SPG11 is on the minus strand). VCF-style: chr15-44596836-TCA-CT. GRCh37 (hg19) VCF-style: chr15-44889034-TCA-CT.
Other names: c.4107_4109delinsAG, p.Asn1369fs (NM_001160227.2, NM_001411132.1); c.4107_4109delinsAG (NM_025137.3); short protein forms N1369fs.
Identifiers: ClinVar variation 3010192 (VCV003010192.4), dbSNP rs2505377793, ClinGen allele CA2740097289.

ClinVar aggregate classification (germline): Pathogenic/Likely pathogenic. Review status: criteria provided, multiple submitters, no conflicts (2 of 4 stars). 2 submissions from 2 submitters: Pathogenic (1); Likely pathogenic (1). Last evaluated 2026-04-22.

Conditions:
Hereditary spastic paraplegia 11. Also called: SPASTIC PARAPLEGIA, AUTOSOMAL RECESSIVE, COMPLICATED, WITH THIN CORPUS CALLOSUM; SPASTIC PARAPLEGIA, AUTOSOMAL RECESSIVE, WITH MENTAL IMPAIRMENT AND THIN CORPUS CALLOSUM; Spastic Paraplegia 11; Nakamura Osame syndrome; Autosomal recessive hereditary spastic paraplegia, mental impairment, and thin corpus callosum; Spastic paraplegia, mental retardation and thin corpus callosum. Identifiers: Orphanet 2822, MedGen C1858479, MONDO:0011445, OMIM 604360.

Submissions (2):

GeneDx
Classification: Likely pathogenic. Last evaluated: 2026-04-22. Review status: criteria provided, single submitter. Criteria: GeneDx Variant Classification Process June 2021. Collection method: clinical testing. Allele origin: germline.
Comment: Frameshift variant predicted to result in protein truncation or nonsense mediated decay in a gene for which loss of function is a known mechanism of disease; Not observed at significant frequency in large population cohorts (gnomAD); Has not been previously published as pathogenic or benign to our knowledge

Labcorp Genetics (formerly Invitae), Labcorp
Classification: Pathogenic for Hereditary spastic paraplegia 11. Last evaluated: 2020-10-06. Review status: criteria provided, single submitter. Criteria: Invitae Variant Classification Sherloc (09022015). Collection method: clinical testing. Allele origin: germline.
Comment: Loss-of-function variants in SPG11 are known to be pathogenic (PMID: 19105190, 20110243, 22154821). For these reasons, this variant has been classified as Pathogenic. This variant has not been reported in the literature in individuals with SPG11-related conditions. The frequency data for this variant in the population databases is not available, as this variant may be reported as separate entries in the ExAC database. This sequence change creates a premature translational stop signal (p.Asn1369Lysfs*20) in the SPG11 gene. It is expected to result in an absent or disrupted protein product.

Literature cited by the submitters: PubMed 19105190 (cited by Labcorp Genetics (formerly Invitae), Labcorp); PubMed 20110243 (cited by Labcorp Genetics (formerly Invitae), Labcorp); PubMed 22154821 (cited by Labcorp Genetics (formerly Invitae), Labcorp).